The following is an entry in ClinVar:

ClinVar aggregate classification (germline): Uncertain significance (1 of 4 stars; one submission).

Submission:

Labcorp Genetics (formerly Invitae), Labcorp
Classification: Uncertain significance. Last evaluated: 2023-10-15. Review status: criteria provided, single submitter. Criteria: Invitae Variant Classification Sherloc (09022015). Collection method: clinical testing. Allele origin: germline.
Comment: A copy number gain of the genomic region encompassing the full coding sequence of the WFS1 gene has been identified. The boundaries of this event are unknown as they extend beyond the assayed region for this gene and therefore may encompass additional genes. As the precise location of this event is unknown, it may be in tandem or it may be located elsewhere in the genome. This variant has not been reported in the literature in individuals affected with WFS1-related conditions. In summary, the available evidence is currently insufficient to determine the role of this variant in disease. Therefore, it has been classified as a Variant of Uncertain Significance.

NC_000004.11:g.(?_4861627)_(6304195_?)dup

Genes: CYTL1 (cytokine like 1; minus strand), EVC (EvC ciliary complex subunit 1; plus strand), C4orf50 (chromosome 4 open reading frame 50; minus strand), CRMP1 (collapsin response mediator protein 1; minus strand), EVC2 (EvC ciliary complex subunit 2; minus strand) and 5 more. Cytogenetic location: 4p16.2-16.1.
Variant type: Duplication.
Identifiers: ClinVar variation 1411440 (VCV001411440.6).